The following is an entry in ClinVar:

ClinVar aggregate classification (germline): Uncertain significance (1 of 4 stars; one submission).

Submission:

GeneDx
Classification: Uncertain significance. Last evaluated: 2023-06-16. Review status: criteria provided, single submitter. Criteria: GeneDx Variant Classification Process June 2021. Collection method: clinical testing. Allele origin: germline. Affected: yes.
Comment: Not observed at significant frequency in large population cohorts (gnomAD); In silico analysis supports that this missense variant does not alter protein structure/function; Has not been previously published as pathogenic or benign to our knowledge

NM_001162501.2(TNRC6B):c.3575C>T (p.Ala1192Val)

Gene: TNRC6B (trinucleotide repeat containing adaptor 6B; plus strand). Cytogenetic location: 22q13.1.
Variant type: single nucleotide variant.
Coding change: c.3575C>T on transcript NM_001162501.2 (MANE Select); coding-DNA position 3575, C replaced by T.
Protein change: p.Ala1192Val; replaces alanine 1192 with valine.
Molecular consequence: missense variant. On other transcripts: intron variant (2).
Genome position (GRCh38, 1-based): chr22:40,281,282, C>T. VCF-style: chr22-40281282-C-T. GRCh37 (hg19) VCF-style: chr22-40677286-C-T.
Other names: c.1170+1139C>T (NM_001024843.2); c.3252+1139C>T (NM_015088.3); short protein forms A1192V.
Identifiers: ClinVar variation 3253188 (VCV003253188.1), dbSNP rs2518006097.